The following is an entry in ClinVar:

NM_001943.5(DSG2):c.444G>C (p.Lys148Asn)

Gene: DSG2 (desmoglein 2; plus strand). Cytogenetic location: 18q12.1.
Variant type: single nucleotide variant.
Coding change: c.444G>C on transcript NM_001943.5 (MANE Select); coding-DNA position 444, G replaced by C.
Protein change: p.Lys148Asn; replaces lysine 148 with asparagine.
Molecular consequence: missense variant.
Genome position (GRCh38, 1-based): chr18:31,521,164, G>C. VCF-style: chr18-31521164-G-C. GRCh37 (hg19) VCF-style: chr18-29101127-G-C.
Other names: short protein forms K148N.
Identifiers: ClinVar variation 1740688 (VCV001740688.4), dbSNP rs935833101, ClinGen allele CA297729287.
Genomic context (GRCh38, chr18:31,521,164, plus strand): 5'-AGGTTACGCTTTGGATGCAAGAGGAAACAATGTAGAGAAACCCTTAGAGCTACGCATTAA[G>C]GTTCTTGATATCAATGACAACGAACCAGTGTTCACACAGGATGTCTTTGTTGGGTCTGTT-3'
Protein context (NP_001934.2, residues 138-158): NVEKPLELRI[Lys148Asn]VLDINDNEPV

ClinVar aggregate classification (germline): Uncertain significance. Review status: criteria provided, multiple submitters, no conflicts (2 of 4 stars). 3 submissions from 3 submitters: Uncertain significance (3). Last evaluated 2025-03-27.

Conditions:
Cardiovascular phenotype. Identifiers: MedGen CN230736.
Arrhythmogenic right ventricular cardiomyopathy (ARVD). Also called: Cardiomyopathy, ARVC; Arrhythmogenic right ventricular dysplasia; Arrhythmogenic cardiomyopathy; Arrhythmogenic Right Ventricular Cardiomyopathy (ARVC). Identifiers: Orphanet 247, MedGen C0349788, MeSH D019571, MONDO:0016587. Disease mechanism: loss of function. Inheritance: Various modes of inheritance.
Arrhythmogenic right ventricular dysplasia 10. Also called: Arrhythmogenic Right Ventricular Dysplasia/Cardiomyopathy10; ARRHYTHMOGENIC RIGHT VENTRICULAR DYSPLASIA, FAMILIAL, 10; Arrhythmogenic right ventricular dysplasia/cardiomyopathy, type 10. Identifiers: MedGen C1857777, MONDO:0012434, OMIM 610193.

Allele frequency attached by ClinVar (database versions not stated): TOPMed 0.00002.

Submissions (3):

Labcorp Genetics (formerly Invitae), Labcorp
Classification: Uncertain significance for Arrhythmogenic right ventricular dysplasia 10. Last evaluated: 2025-03-27. Review status: criteria provided, single submitter. Criteria: Invitae Variant Classification Sherloc (09022015). Collection method: clinical testing. Allele origin: germline.
Comment: This sequence change replaces lysine, which is basic and polar, with asparagine, which is neutral and polar, at codon 148 of the DSG2 protein (p.Lys148Asn). This variant is not present in population databases (gnomAD no frequency). This variant has not been reported in the literature in individuals affected with DSG2-related conditions. ClinVar contains an entry for this variant (Variation ID: 1740688). Invitae Evidence Modeling of protein sequence and biophysical properties (such as structural, functional, and spatial information, amino acid conservation, physicochemical variation, residue mobility, and thermodynamic stability) indicates that this missense variant is not expected to disrupt DSG2 protein function with a negative predictive value of 95%. In summary, the available evidence is currently insufficient to determine the role of this variant in disease. Therefore, it has been classified as a Variant of Uncertain Significance.

All of Us Research Program, National Institutes of Health
Classification: Uncertain significance for Arrhythmogenic right ventricular cardiomyopathy. Last evaluated: 2023-10-06. Review status: criteria provided, single submitter. Criteria: ACMG Guidelines, 2015. Collection method: clinical testing. Allele origin: germline. Inheritance: Autosomal dominant inheritance. Observed: 1 variant allele, 1 heterozygote.
Comment: This missense variant replaces lysine with asparagine at codon 148 of the DSG2 protein. Computational prediction suggests that this variant may not impact protein structure and function (internally defined REVEL score threshold <= 0.5, PMID: 27666373). To our knowledge, functional studies have not been reported for this variant. This variant has not been reported in individuals affected with DSG2-related disorders in the literature. This variant has not been identified in the general population by the Genome Aggregation Database (gnomAD). The available evidence is insufficient to determine the role of this variant in disease conclusively. Therefore, this variant is classified as a Variant of Uncertain Significance.

This study involves interpretation of variants in research participants for the purpose of population health screening. Participant phenotype was not available at the time of variant classification. Additional details can be found in publication PMID: 35346344, PMCID: PMC8962531

Ambry Genetics
Classification: Uncertain significance for Cardiovascular phenotype. Last evaluated: 2019-12-23. Review status: criteria provided, single submitter. Criteria: Ambry Variant Classification Scheme 2023. Collection method: clinical testing. Allele origin: germline.
Comment: The p.K148N variant (also known as c.444G>C), located in coding exon 5 of the DSG2 gene, results from a G to C substitution at nucleotide position 444. The lysine at codon 148 is replaced by asparagine, an amino acid with similar properties. This amino acid position is not well conserved in available vertebrate species. In addition, this alteration is predicted to be tolerated by in silico analysis. Since supporting evidence is limited at this time, the clinical significance of this alteration remains unclear.